The following is an entry in ClinVar:

NM_001005388.3(NFASC):c.860T>C (p.Leu287Pro)

Gene: NFASC (neurofascin; plus strand). Cytogenetic location: 1q32.1.
Variant type: single nucleotide variant.
Coding change: c.860T>C on transcript NM_001005388.3 (MANE Select); coding-DNA position 860, T replaced by C.
Protein change: p.Leu287Pro; replaces leucine 287 with proline.
Molecular consequence: missense variant. On other transcripts: non-coding transcript variant (1).
Genome position (GRCh38, 1-based): chr1:204,968,839, T>C. VCF-style: chr1-204968839-T-C. GRCh37 (hg19) VCF-style: chr1-204937967-T-C.
Other names: c.860T>C, p.Leu287Pro (NM_001005389.2, NM_001378329.1); c.893T>C, p.Leu298Pro (NM_001160331.2, NM_001160332.2, NM_001365986.1 and 3 more transcripts); c.842T>C, p.Leu281Pro (NM_001160333.2); short protein forms L281P, L287P, L298P.
Identifiers: ClinVar variation 2504489 (VCV002504489.1), dbSNP rs1039171874, ClinGen allele CA36393353.

ClinVar aggregate classification (germline): Uncertain significance (1 of 4 stars; one submission).

Allele frequency attached by ClinVar (database versions not stated): gnomAD exomes below 0.00001; TOPMed 0.00003; gnomAD 0.00005.
gnomAD v4.1: 8 of 1,613,770 alleles (0.0005%); highest among the groups gnomAD compares: African/African-American, 0.011%; no homozygotes.

Submission:

GeneDx
Classification: Uncertain significance. Last evaluated: 2022-11-30. Review status: criteria provided, single submitter. Criteria: GeneDx Variant Classification Process June 2021. Collection method: clinical testing. Allele origin: germline. Affected: yes.
Comment: In silico analysis supports that this missense variant has a deleterious effect on protein structure/function; Has not been previously published as pathogenic or benign to our knowledge